The following is an entry in ClinVar:

ClinVar aggregate classification (germline): Uncertain significance (1 of 4 stars; one submission).

Submission:

Labcorp Genetics (formerly Invitae), Labcorp
Classification: Uncertain significance. Last evaluated: 2022-05-05. Review status: criteria provided, single submitter. Criteria: Invitae Variant Classification Sherloc (09022015). Collection method: clinical testing. Allele origin: germline.
Comment: In summary, the available evidence is currently insufficient to determine the role of this variant in disease. Therefore, it has been classified as a Variant of Uncertain Significance. This variant has not been reported in the literature in individuals affected with ADGRA3-related conditions. This variant is not present in population databases (gnomAD no frequency). This sequence change creates a premature translational stop signal (p.Glu187Ilefs*15) in the ADGRA3 gene. It is expected to result in an absent or disrupted protein product. However, the current clinical and genetic evidence is not sufficient to establish whether loss-of-function variants in ADGRA3 cause disease.

NM_145290.4(ADGRA3):c.559_562del (p.Glu187fs)

Gene: ADGRA3 (adhesion G protein-coupled receptor A3; minus strand). Cytogenetic location: 4p15.2.
Variant type: Deletion.
Coding change: c.559_562del on transcript NM_145290.4 (MANE Select); coding-DNA positions 559 to 562, 4 bases deleted (GAGT; older notation c.559_562delGAGT).
Protein change: p.Glu187fs; shifts the reading frame from glutamic acid 187.
Molecular consequence: frameshift variant.
Genome position (GRCh38, 1-based): chr4:22,445,117-22,445,120, ACTC deleted on the plus strand (GAGT on the coding strand, the reverse complement: ADGRA3 is on the minus strand); deleting any 4 consecutive bases within chr4:22,445,117-22,445,121 gives the same sequence; the c. name uses the placement nearest the transcript's 3' end. VCF-style (leftmost placement, unchanged base first): chr4-22445116-TACTC-T. GRCh37 (hg19) VCF-style: chr4-22446739-TACTC-T.
Other names: short protein forms E187fs.
Identifiers: ClinVar variation 1495752 (VCV001495752.6), dbSNP rs2109077467, ClinGen allele CA2573137653.